The following is an entry in ClinVar:

NM_001127511.3(APC):c.-168G>T

Gene: APC (APC regulator of Wnt signaling pathway; plus strand). Cytogenetic location: 5q22.2.
Variant type: single nucleotide variant.
Coding change: c.-168G>T on transcript NM_001127511.3; 168 bases upstream of the start codon, G replaced by T.
Molecular consequence: 5 prime UTR variant. On other transcripts: non-coding transcript variant (2).
Genome position (GRCh38, 1-based): chr5:112,707,550, G>T. VCF-style: chr5-112707550-G-T. GRCh37 (hg19) VCF-style: chr5-112043247-G-T.
Other names: c.-351G>T (NM_001354895.2, NM_001407447.1, NM_001407452.1 and 3 more transcripts); c.-168G>T (NM_001354897.2, NM_001354902.2, NM_001407446.1); c.-118G>T (NM_001407448.1, NM_001407450.1, NM_001407457.1 and 1 more transcripts); c.-142G>T (NM_001407453.1); c.-1386G>T (NM_001407470.1, NM_001407472.1).
Identifiers: ClinVar variation 1005375 (VCV001005375.9), dbSNP rs1554060194, ClinGen allele CA1080214759.

ClinVar aggregate classification (germline): Uncertain significance (1 of 4 stars; one submission).

Conditions:
Familial adenomatous polyposis 1 (FAP1). Also called: FAMILIAL ADENOMATOUS POLYPOSIS 1, ATTENUATED; POLYPOSIS, ADENOMATOUS INTESTINAL. Identifiers: MedGen C2713442, MONDO:0021056, OMIM 175100. Disease mechanism: loss of function.

Allele frequency attached by ClinVar (database versions not stated): gnomAD 0.00001.

Submission:

Labcorp Genetics (formerly Invitae), Labcorp
Classification: Uncertain significance for Familial adenomatous polyposis 1. Last evaluated: 2021-06-17. Review status: criteria provided, single submitter. Criteria: Invitae Variant Classification Sherloc (09022015). Collection method: clinical testing. Allele origin: germline.
Comment: This variant occurs in a non-coding region of the APC gene. It does not change the encoded amino acid sequence of the APC protein. The frequency data for this variant in the population databases is considered unreliable, as metrics indicate insufficient coverage at this position in the ExAC database. This variant has not been reported in the literature in individuals with APC-related conditions. Experimental studies and prediction algorithms are not available for this variant, and the functional significance of this non-coding change is currently unknown. In summary, the available evidence is currently insufficient to determine the role of this variant in disease. Therefore, it has been classified as a Variant of Uncertain Significance.